The following is an entry in ClinVar:

NM_000492.4(CFTR):c.1115A>T (p.Gln372Leu)

Gene: CFTR (CF transmembrane conductance regulator; plus strand). Cytogenetic location: 7q31.2.
Variant type: single nucleotide variant.
Coding change: c.1115A>T on transcript NM_000492.4 (MANE Select); coding-DNA position 1115, A replaced by T.
Protein change: p.Gln372Leu; replaces glutamine 372 with leucine.
Molecular consequence: missense variant.
Genome position (GRCh38, 1-based): chr7:117,540,345, A>T. VCF-style: chr7-117540345-A-T. GRCh37 (hg19) VCF-style: chr7-117180399-A-T.
Other names: short protein forms Q372L.
Identifiers: ClinVar variation 1796133 (VCV001796133.4), dbSNP rs1799033866, ClinGen allele CA368979125.
Genomic context (GRCh38, chr7:117,540,345, plus strand): 5'-GGCAATTTCCCTGGGCTGTACAAACATGGTATGACTCTCTTGGAGCAATAAACAAAATAC[A>T]GGTAATGTACCATAATGCTGCATTATATACTATGATTTAAATAATCAGTCAATAGATCAG-3'
Protein context (NP_000483.3, residues 362-382): YDSLGAINKI[Gln372Leu]DFLQKQEYKT

ClinVar aggregate classification (germline): Uncertain significance. Review status: criteria provided, multiple submitters, no conflicts (2 of 4 stars). 2 submissions from 2 submitters: Uncertain significance (2). Last evaluated 2025-01-22.

Conditions:
Cystic fibrosis (CF). Also called: MUCOVISCIDOSIS. Identifiers: Orphanet 586, MedGen C0010674, MONDO:0009061, OMIM 219700. Disease mechanism: loss of function.

Submissions (2):

Labcorp Genetics (formerly Invitae), Labcorp
Classification: Uncertain significance for Cystic fibrosis. Last evaluated: 2025-01-22. Review status: criteria provided, single submitter. Criteria: Invitae Variant Classification Sherloc (09022015). Collection method: clinical testing. Allele origin: germline.
Comment: This sequence change replaces glutamine, which is neutral and polar, with leucine, which is neutral and non-polar, at codon 372 of the CFTR protein (p.Gln372Leu). This variant is not present in population databases (gnomAD no frequency). This variant has not been reported in the literature in individuals affected with CFTR-related conditions. ClinVar contains an entry for this variant (Variation ID: 1796133). An algorithm developed to predict the effect of missense changes on protein structure and function (PolyPhen-2) suggests that this variant is likely to be tolerated. Algorithms developed to predict the effect of sequence changes on RNA splicing suggest that this variant may disrupt the consensus splice site. In summary, the available evidence is currently insufficient to determine the role of this variant in disease. Therefore, it has been classified as a Variant of Uncertain Significance.

Ambry Genetics
Classification: Uncertain significance for Cystic fibrosis. Last evaluated: 2019-08-02. Review status: criteria provided, single submitter. Criteria: Ambry Variant Classification Scheme 2023. Collection method: clinical testing. Allele origin: germline.
Comment: The p.Q372L variant (also known as c.1115A>T), located in coding exon 8 of the CFTR gene, results from an A to T substitution at nucleotide position 1115. The glutamine at codon 372 is replaced by leucine, an amino acid with dissimilar properties. This amino acid position is well conserved in available vertebrate species. In addition, the in silico prediction for this alteration is inconclusive. Since supporting evidence is limited at this time, the clinical significance of this alteration remains unclear.